The following is an entry in ClinVar:

ClinVar aggregate classification (germline): Likely pathogenic (1 of 4 stars; one submission).

Conditions:
ALG6-congenital disorder of glycosylation 1C (CDG1C). Also called: CDG Ic; Congenital disorder of glycosylation type 1C; CARBOHYDRATE-DEFICIENT GLYCOPROTEIN SYNDROME, TYPE I, WITH DEFICIENT GLYCOSYLATION OF DOLICHOL-LINKED OLIGOSACCHARIDE; CARBOHYDRATE-DEFICIENT GLYCOPROTEIN SYNDROME, TYPE V; Congenital disorder of glycosylation, type Ic. Identifiers: Orphanet 79320, MedGen C2930997, MONDO:0011291, OMIM 603147.

Submission:

Labcorp Genetics (formerly Invitae), Labcorp
Classification: Likely pathogenic for ALG6-congenital disorder of glycosylation 1C. Last evaluated: 2020-12-11. Review status: criteria provided, single submitter. Criteria: Invitae Variant Classification Sherloc (09022015). Collection method: clinical testing. Allele origin: germline.
Comment: This variant is a gross deletion of the genomic region encompassing exon(s) 4 of the ALG6 gene. This variant would be expected to be in-frame, preserving the integrity of the reading frame. In summary, the currently available evidence indicates that the variant is pathogenic, but additional data are needed to prove that conclusively. Therefore, this variant has been classified as Likely Pathogenic. This variant disrupts the p.Ala84 amino acid residue in ALG6. Other variant(s) that disrupt this residue have been determined to be pathogenic (PMID: 27287710, 26453362). This suggests that this residue is clinically significant, and that variants that disrupt this residue are likely to be disease-causing. This variant has not been reported in the literature in individuals with ALG6-related conditions.

Literature cited by the submitters: PubMed 27287710; PubMed 26453362.

NC_000001.10:g.(?_63867915)_(63868024_?)del

Gene: ALG6 (ALG6 alpha-1,3-glucosyltransferase; plus strand). Cytogenetic location: 1p31.3.
Variant type: Deletion.
Identifiers: ClinVar variation 1518377 (VCV001518377.6).